The following continues an entry in ClinVar:

NM_000540.3(RYR1):c.10097G>A (p.Arg3366His)

Gene: RYR1. ClinVar aggregate classification (germline): Likely benign. Likely benign (1).

Submissions 27 to 31 of 31:

Zotz-Klimas Genetics Lab, MVZ Zotz Klimas
Classification: Uncertain significance for King Denborough syndrome. Last evaluated: 2023-10-09. Review status: no assertion criteria provided. Collection method: clinical testing. Allele origin: germline. Affected: yes. Not counted in ClinVar's aggregate classification.

Undiagnosed Diseases Network, NIH
Classification: Uncertain significance for RYR1-related condition. Last evaluated: 2023-02-28. Review status: no assertion criteria provided. Collection method: clinical testing. Allele origin: maternal. Affected: yes. Observed: 1 variant allele, 1 compound heterozygote. Study: Undiagnosed Diseases Network (NIH), UDN. Not counted in ClinVar's aggregate classification.

CSER _CC_NCGL, University of Washington
Classification: Likely benign for Multiminicore/minicore/multicore disease. Last evaluated: 2014-06-01. Review status: no assertion criteria provided. Collection method: research. Allele origin: germline. Inheritance: Autosomal dominant inheritance. Study: ESP 6500 variant annotation. Not counted in ClinVar's aggregate classification.
Comment: Variants classified for the Actionable exomic incidental findings in 6503 participants: challenges of variant classification manuscript

RYR1 database
No classification provided. Review status: no classification provided. Collection method: not provided. Allele origin: unknown. Not counted in ClinVar's aggregate classification.

Laboratory of Medical Genetics, National & Kapodistrian University of Athens
Classification: Likely pathogenic for Central core myopathy. Last evaluated: 2021-10-01. Review status: flagged submission. Criteria: ACMG Guidelines, 2015. Collection method: clinical testing. Allele origin: unknown. Affected: yes. Not counted in ClinVar's aggregate classification.
Comment: PM2, PM3, PP2, PP3, PP5
ClinVar note: Reason: Outlier claim with insufficient supporting evidence

Literature cited by the submitters: PubMed 25958340 (cited by 6 submitters); PubMed 25735680 (cited by 3 submitters); PubMed 25214167 (cited by 4 submitters); PubMed 24950660 (cited by 5 submitters); PubMed 25960145 (cited by 6 submitters); PubMed 25658027 (cited by 3 submitters); PubMed 21674524 (cited by 5 submitters); PubMed 30611313 (cited by 5 submitters); PubMed 22473935 (cited by 3 submitters); PubMed 24055113 (cited by Mayo Clinic Laboratories, Mayo Clinic and Athena Diagnostics); PubMed 25637381 (cited by Mayo Clinic Laboratories, Mayo Clinic and Athena Diagnostics); PubMed 25747005 (cited by Mayo Clinic Laboratories, Mayo Clinic); PubMed 26332594 (cited by Mayo Clinic Laboratories, Mayo Clinic and Athena Diagnostics); PubMed 28269792 (cited by Mayo Clinic Laboratories, Mayo Clinic); PubMed 30155738 (cited by Mayo Clinic Laboratories, Mayo Clinic); PubMed 31517061 (cited by 3 submitters); PubMed 31564432 (cited by Mayo Clinic Laboratories, Mayo Clinic); PubMed 32236737 (cited by Mayo Clinic Laboratories, Mayo Clinic and Molecular Genetics, Royal Melbourne Hospital); PubMed 32403337 (cited by Mayo Clinic Laboratories, Mayo Clinic and Athena Diagnostics); PubMed 32528171 (cited by Mayo Clinic Laboratories, Mayo Clinic and Athena Diagnostics); PubMed 33176865 (cited by Mayo Clinic Laboratories, Mayo Clinic); PubMed 33646171 (cited by Mayo Clinic Laboratories, Mayo Clinic); PubMed 33726816 (cited by Mayo Clinic Laboratories, Mayo Clinic and Athena Diagnostics); PubMed 34008892 (cited by 3 submitters); PubMed 35428369 (cited by 3 submitters); PubMed 35948506 (cited by Mayo Clinic Laboratories, Mayo Clinic and Athena Diagnostics); PubMed 36628841 (cited by Mayo Clinic Laboratories, Mayo Clinic and Women's Health and Genetics/Laboratory Corporation of America, LabCorp); PubMed 36833224 (cited by Mayo Clinic Laboratories, Mayo Clinic); PubMed 37643885 (cited by Mayo Clinic Laboratories, Mayo Clinic); PubMed 37937776 (cited by Mayo Clinic Laboratories, Mayo Clinic); PubMed 33767344 (cited by Athena Diagnostics); PubMed 26019235 (cited by Athena Diagnostics); PubMed 30932294 (cited by Athena Diagnostics); PubMed 23394784 (cited by Molecular Genetics, Royal Melbourne Hospital); PubMed 28259615 (cited by Molecular Genetics, Royal Melbourne Hospital); PubMed 23919265 (cited by Victorian Clinical Genetics Services, Murdoch Childrens Research Institute); PubMed 31206373 (cited by Victorian Clinical Genetics Services, Murdoch Childrens Research Institute).